The following is an entry in ClinVar:

ClinVar aggregate classification (germline): Likely benign. Review status: criteria provided, multiple submitters, no conflicts (2 of 4 stars). 2 submissions from 2 submitters: Likely benign (2). Last evaluated 2023-04-07.

Conditions:
Hereditary breast ovarian cancer syndrome. Also called: Hereditary breast and/or ovarian cancer syndrome; Hereditary breast and ovarian cancer syndrome; Hereditary breast and ovarian cancer syndrome (HBOC); Hereditary breast and ovarian cancer; BRCA1- and BRCA2-Associated Hereditary Breast and Ovarian Cancer; Breast and ovarian cancer. Identifiers: Orphanet 145, MedGen C0677776, MeSH D061325, MONDO:0003582. Disease mechanism: loss of function.

Submissions (2):

Labcorp Genetics (formerly Invitae), Labcorp
Classification: Likely benign for Hereditary breast ovarian cancer syndrome. Last evaluated: 2023-04-07. Review status: criteria provided, single submitter. Criteria: Invitae Variant Classification Sherloc (09022015). Collection method: clinical testing. Allele origin: germline.

GeneDx
Classification: Likely benign. Last evaluated: 2015-11-02. Review status: criteria provided, single submitter. Criteria: GeneDx Variant Classification (06012015). Collection method: clinical testing. Allele origin: germline. Affected: yes.
Comment: This variant is considered likely benign or benign based on one or more of the following criteria: it is a conservative change, it occurs at a poorly conserved position in the protein, it is predicted to be benign by multiple in silico algorithms, and/or has population frequency not consistent with disease.

NM_000059.4(BRCA2):c.801A>C (p.Gly267=)

Gene: BRCA2 (BRCA2 DNA repair associated; plus strand). Cytogenetic location: 13q13.1.
Variant type: single nucleotide variant.
Coding change: c.801A>C on transcript NM_000059.4 (MANE Select); coding-DNA position 801, A replaced by C.
Protein change: p.Gly267=; no amino-acid change (glycine 267 retained).
Molecular consequence: synonymous variant.
Genome position (GRCh38, 1-based): chr13:32,332,279, A>C. VCF-style: chr13-32332279-A-C. GRCh37 (hg19) VCF-style: chr13-32906416-A-C.
Identifiers: ClinVar variation 381295 (VCV000381295.4), dbSNP rs1057521011, ClinGen allele CA16606409.